The following is an entry in ClinVar:

ClinVar aggregate classification (germline): Uncertain significance (1 of 4 stars; one submission).

Allele frequency attached by ClinVar (database versions not stated): gnomAD exomes 0.00002.
gnomAD v4.1: 29 of 1,614,052 alleles (0.0018%); highest among the groups gnomAD compares: Non-Finnish European, 0.0024%; no homozygotes.

Submission:

Labcorp Genetics (formerly Invitae), Labcorp
Classification: Uncertain significance. Last evaluated: 2022-07-29. Review status: criteria provided, single submitter. Criteria: Invitae Variant Classification Sherloc (09022015). Collection method: clinical testing. Allele origin: germline.
Comment: This sequence change replaces aspartic acid, which is acidic and polar, with asparagine, which is neutral and polar, at codon 1305 of the ADGRA3 protein (p.Asp1305Asn). This variant is present in population databases (no rsID available, gnomAD 0.003%). This variant has not been reported in the literature in individuals affected with ADGRA3-related conditions. ClinVar contains an entry for this variant (Variation ID: 1524927). Algorithms developed to predict the effect of missense changes on protein structure and function are either unavailable or do not agree on the potential impact of this missense change (SIFT: "Deleterious"; PolyPhen-2: "Benign"; Align-GVGD: "Class C0"). In summary, the available evidence is currently insufficient to determine the role of this variant in disease. Therefore, it has been classified as a Variant of Uncertain Significance.

NM_145290.4(ADGRA3):c.3913G>A (p.Asp1305Asn)

Gene: ADGRA3 (adhesion G protein-coupled receptor A3; minus strand). Cytogenetic location: 4p15.2.
Variant type: single nucleotide variant.
Coding change: c.3913G>A on transcript NM_145290.4 (MANE Select); coding-DNA position 3913, G replaced by A.
Protein change: p.Asp1305Asn; replaces aspartic acid 1305 with asparagine.
Molecular consequence: missense variant.
Genome position (GRCh38, 1-based): chr4:22,387,758, C>T on the plus strand (G>A on the coding strand, the complement: ADGRA3 is on the minus strand). VCF-style: chr4-22387758-C-T. GRCh37 (hg19) VCF-style: chr4-22389381-C-T.
Other names: short protein forms D1305N.
Identifiers: ClinVar variation 1524927 (VCV001524927.8), dbSNP rs928853508, ClinGen allele CA93479170.